The following is an entry in ClinVar:

NM_001127222.2(CACNA1A):c.3225C>T (p.Thr1075=)

Gene: CACNA1A (calcium voltage-gated channel subunit alpha1 A; minus strand). Cytogenetic location: 19p13.13.
Variant type: single nucleotide variant.
Coding change: c.3225C>T on transcript NM_001127222.2 (MANE Select); coding-DNA position 3225, C replaced by T.
Protein change: p.Thr1075=; no amino-acid change (threonine 1075 retained).
Molecular consequence: synonymous variant.
Genome position (GRCh38, 1-based): chr19:13,286,831, G>A on the plus strand (C>T on the coding strand, the complement: CACNA1A is on the minus strand). VCF-style: chr19-13286831-G-A. GRCh37 (hg19) VCF-style: chr19-13397645-G-A.
Other names: c.3237C>T, p.Thr1079= (NM_000068.4, NM_023035.3); c.3228C>T, p.Thr1076= (NM_001127221.2, NM_001174080.2).
Identifiers: ClinVar variation 2927575 (VCV002927575.13), dbSNP rs771852505, ClinGen allele CA9240386.

ClinVar aggregate classification (germline): Likely benign. Review status: criteria provided, multiple submitters, no conflicts (2 of 4 stars). 2 submissions from 2 submitters: Likely benign (2). Last evaluated 2025-06-01.

Conditions:
Episodic ataxia type 2 (EA2). Also called: ATAXIA, EPISODIC, WITH NYSTAGMUS; ATAXIA, FAMILIAL PAROXYSMAL; CEREBELLAR ATAXIA, PAROXYSMAL, ACETAZOLAMIDE-RESPONSIVE; CEREBELLOPATHY, HEREDITARY PAROXYSMAL; EPISODIC ATAXIA, NYSTAGMUS-ASSOCIATED; ACETAZOLAMIDE-RESPONSIVE HEREDITARY PAROXYSMAL CEREBELLAR ATAXIA. Identifiers: Orphanet 97, MedGen C1720416, MONDO:0007163, OMIM 108500.
Developmental and epileptic encephalopathy, 42 (DEE42A). Also called: Epileptic encephalopathy, early infantile, 42; DEVELOPMENTAL AND EPILEPTIC ENCEPHALOPATHY 42A; EPILEPTIC ENCEPHALOPATHY, EARLY INFANTILE, 42A. Identifiers: MedGen C4310716, MONDO:0014917, OMIM 617106.

Allele frequency attached by ClinVar (database versions not stated): ExAC 0.00001; gnomAD 0.00001.
gnomAD v4.1: 6 of 1,613,616 alleles (0.00037%); highest among the groups gnomAD compares: Admixed American, 0.0033%; no homozygotes.

Submissions (2):

CeGaT Center for Human Genetics Tuebingen
Classification: Likely benign. Last evaluated: 2025-06-01. Review status: criteria provided, single submitter. Criteria: CeGaT Center For Human Genetics Tuebingen Variant Classification Criteria Version 2. Collection method: clinical testing. Allele origin: germline. Affected: yes. Observed: 1 variant allele.
Comment: CACNA1A: BP4, BP7

Labcorp Genetics (formerly Invitae), Labcorp
Classification: Likely benign for Developmental and epileptic encephalopathy, 42; Episodic ataxia type 2. Last evaluated: 2024-04-29. Review status: criteria provided, single submitter. Criteria: Invitae Variant Classification Sherloc (09022015). Collection method: clinical testing. Allele origin: germline.